The following is an entry in ClinVar:

NC_000022.10:g.(?_29105988)_(29115479_?)del

Gene: CHEK2 (checkpoint kinase 2; minus strand). Cytogenetic location: 22q12.1.
Variant type: Deletion.
Identifiers: ClinVar variation 1070867 (VCV001070867.2).

ClinVar aggregate classification (germline): Pathogenic (1 of 4 stars; one submission).

Conditions:
Familial cancer of breast. Also called: Hereditary breast cancer; hereditary breast carcinoma; BREAST CANCER, FAMILIAL. Identifiers: Orphanet 227535, MedGen C0346153, MONDO:0016419, OMIM 114480. Disease mechanism: loss of function.

Submission:

Labcorp Genetics (formerly Invitae), Labcorp
Classification: Pathogenic for Familial cancer of breast. Last evaluated: 2018-02-22. Review status: criteria provided, single submitter. Criteria: Invitae Variant Classification Sherloc (09022015). Collection method: clinical testing. Allele origin: germline.
Comment: This variant is a gross deletion of the genomic region encompassing exons 5-7 of the CHEK2 gene. This creates a premature translational stop signal and is expected to result in an absent or disrupted protein product. While this particular variant has not been reported in the literature, truncating variants in CHEK2 are known to be pathogenic (PMID: 21876083, 24713400). Smaller deletions that result in premature stop signals in exons 5 and 7 respectively have been identified in individuals and families affected with hereditary breast cancer (PMID: 22114986), and with a family history of non-BRCA1/2 related breast or ovarian cancer (PMID: 26534844). This variant removes over 75% of the full-length CHEK2 protein, including the nuclear localization signal and the serine/threonine kinase domain, which is required for CHEK2 protein function in DNA repair and cell cycle regulation (PMID: 12909615, 12855706, 18004398, 11733767). For these reasons, this variant has been classified as Pathogenic.

Literature cited by the submitters: PubMed 21876083; PubMed 24713400; PubMed 22114986; PubMed 26534844; PubMed 12909615; PubMed 12855706; PubMed 18004398; PubMed 11733767.